The following is an entry in ClinVar:

NM_006158.5(NEFL):c.360C>T (p.Ala120=)

Gene: NEFL (neurofilament light chain; minus strand). Cytogenetic location: 8p21.2.
Variant type: single nucleotide variant.
Coding change: c.360C>T on transcript NM_006158.5 (MANE Select); coding-DNA position 360, C replaced by T.
Protein change: p.Ala120=; no amino-acid change (alanine 120 retained).
Molecular consequence: synonymous variant.
Genome position (GRCh38, 1-based): chr8:24,956,156, G>A on the plus strand (C>T on the coding strand, the complement: NEFL is on the minus strand). VCF-style: chr8-24956156-G-A. GRCh37 (hg19) VCF-style: chr8-24813670-G-A.
Identifiers: ClinVar variation 758823 (VCV000758823.11), dbSNP rs368829273, ClinGen allele CA4681513.

ClinVar aggregate classification (germline): Likely benign. Review status: criteria provided, single submitter (1 of 4 stars). 2 submissions from 2 submitters: Likely benign (1). 1 of the submissions does not count toward it. Last evaluated 2026-01-11.

Conditions:
NEFL-related disorder. Also called: NEFL-related condition.
Charcot-Marie-Tooth disease type 2E (CMT2E). Also called: CHARCOT-MARIE-TOOTH NEUROPATHY, TYPE 2E; CHARCOT-MARIE-TOOTH DISEASE, AXONAL, TYPE 2E. Identifiers: Orphanet 99939, MedGen C1843225, MONDO:0011894, OMIM 607684.

Allele frequency attached by ClinVar (database versions not stated): ExAC 0.00003; gnomAD exomes 0.00003; ESP Exome Variant Server 0.00008; TOPMed 0.00011; gnomAD 0.00017 and 0.00019.
gnomAD v4.1: 33 of 1,609,732 alleles (0.0021%); highest among the groups gnomAD compares: African/African-American, 0.04%; no homozygotes.

Submissions (2):

Labcorp Genetics (formerly Invitae), Labcorp
Classification: Likely benign for Charcot-Marie-Tooth disease type 2E. Last evaluated: 2026-01-11. Review status: criteria provided, single submitter. Criteria: Invitae Variant Classification Sherloc (09022015). Collection method: clinical testing. Allele origin: germline.

PreventionGenetics, part of Exact Sciences
Classification: Likely benign for NEFL-related condition. Last evaluated: 2021-11-30. Review status: no assertion criteria provided. Collection method: clinical testing. Allele origin: germline. Not counted in ClinVar's aggregate classification.
Comment: This variant is classified as likely benign based on ACMG/AMP sequence variant interpretation guidelines (Richards et al. 2015 PMID: 25741868, with internal and published modifications).